The following is an entry in ClinVar:

ClinVar aggregate classification (germline): Pathogenic/Likely pathogenic. Review status: criteria provided, multiple submitters, no conflicts (2 of 4 stars). 2 submissions from 2 submitters: Pathogenic (1); Likely pathogenic (1). Last evaluated 2023-10-16.

Conditions:
Fanconi anemia (FA). Also called: Fanconi's anemia. Identifiers: Orphanet 84, MedGen C0015625, MeSH D005199, MONDO:0019391.

Allele frequency attached by ClinVar (database versions not stated): gnomAD exomes 0.00001; ExAC 0.00002.

Submissions (2):

Labcorp Genetics (formerly Invitae), Labcorp
Classification: Pathogenic for Fanconi anemia. Last evaluated: 2023-10-16. Review status: criteria provided, single submitter. Criteria: Invitae Variant Classification Sherloc (09022015). Collection method: clinical testing. Allele origin: germline.
Comment: This sequence change affects the initiator methionine of the FANCL mRNA. The next in-frame methionine is located at codon 74. This variant is present in population databases (rs772037896, gnomAD 0.007%). Disruption of the initiator codon has been observed in individuals with clinical features of Fanconi anemia (PMID: 29335925, 29625052, 33727708, 34008892; Invitae). ClinVar contains an entry for this variant (Variation ID: 1335392). This variant disrupts the E2-like fold (ELF) domain of the FANCL protein, which is required for its interaction with the FANCB-FAAP100 complex as well as for non-covalent binding to ubiquitin (PMID: 26149689, 27986371). While functional studies have not been performed to directly test the effect of this variant on FANCL protein function, this suggests that disruption of this region of the protein is causative of disease. For these reasons, this variant has been classified as Pathogenic.

CeGaT Center for Human Genetics Tuebingen
Classification: Likely pathogenic. Last evaluated: 2021-11-01. Review status: criteria provided, single submitter. Criteria: CeGaT Center For Human Genetics Tuebingen Variant Classification Criteria Version 2. Collection method: clinical testing. Allele origin: germline. Affected: yes. Observed: 1 variant allele.

Literature cited by the submitters: PubMed 29335925 (cited by Labcorp Genetics (formerly Invitae), Labcorp); PubMed 29625052 (cited by Labcorp Genetics (formerly Invitae), Labcorp); PubMed 33727708 (cited by Labcorp Genetics (formerly Invitae), Labcorp); PubMed 34008892 (cited by Labcorp Genetics (formerly Invitae), Labcorp); PubMed 26149689 (cited by Labcorp Genetics (formerly Invitae), Labcorp); PubMed 27986371 (cited by Labcorp Genetics (formerly Invitae), Labcorp).

NM_018062.4(FANCL):c.1A>T (p.Met1Leu)

Gene: FANCL (FA complementation group L; minus strand). Cytogenetic location: 2p16.1.
Variant type: single nucleotide variant.
Coding change: c.1A>T on transcript NM_018062.4 (MANE Select); coding-DNA position 1, A replaced by T.
Protein change: p.Met1Leu; changes the start codon (methionine 1).
Molecular consequence: missense variant, initiator codon variant.
Genome position (GRCh38, 1-based): chr2:58,241,313, T>A on the plus strand (A>T on the coding strand, the complement: FANCL is on the minus strand). VCF-style: chr2-58241313-T-A. GRCh37 (hg19) VCF-style: chr2-58468448-T-A.
Other names: c.1A>T, p.Met1Leu (NM_001114636.2, NM_001374615.1, NM_001410792.1); short protein forms M1L.
Identifiers: ClinVar variation 1335392 (VCV001335392.39), dbSNP rs772037896, ClinGen allele CA1670857.